The following is an entry in ClinVar:

NM_004655.4(AXIN2):c.1302C>T (p.Asp434=)

Gene: AXIN2 (axin 2; minus strand). Cytogenetic location: 17q24.1.
Variant type: single nucleotide variant.
Coding change: c.1302C>T on transcript NM_004655.4 (MANE Select); coding-DNA position 1302, C replaced by T.
Protein change: p.Asp434=; no amino-acid change (aspartic acid 434 retained).
Molecular consequence: synonymous variant.
Genome position (GRCh38, 1-based): chr17:65,537,734, G>A on the plus strand (C>T on the coding strand, the complement: AXIN2 is on the minus strand). VCF-style: chr17-65537734-G-A. GRCh37 (hg19) VCF-style: chr17-63533852-G-A.
Other names: c.1302C>T, p.Asp434= (NM_001363813.1).
Identifiers: ClinVar variation 3378979 (VCV003378979.1).

ClinVar aggregate classification (germline): Benign (1 of 4 stars; one submission).

Conditions:
Oligodontia-cancer predisposition syndrome. Also called: TOOTH AGENESIS-COLORECTAL CANCER SYNDROME. Identifiers: Orphanet 300576, MedGen C1837750, MONDO:0012075, OMIM 608615. Disease mechanism: loss of function.

Submission:

Myriad Genetics, Inc.
Classification: Benign for Oligodontia-cancer predisposition syndrome. Last evaluated: 2024-07-02. Review status: criteria provided, single submitter. Criteria: Myriad Autosomal Dominant, Autosomal Recessive and X-Linked Classification Criteria (2023). Collection method: clinical testing. Allele origin: unknown.
Comment: This variant is considered benign. This variant is a silent/synonymous amino acid change and it is not expected to impact splicing.